The following is an entry in ClinVar:

NM_030662.4(MAP2K2):c.413A>G (p.Tyr138Cys)

Gene: MAP2K2 (mitogen-activated protein kinase kinase 2; minus strand). Cytogenetic location: 19p13.3.
Variant type: single nucleotide variant.
Coding change: c.413A>G on transcript NM_030662.4 (MANE Select); coding-DNA position 413, A replaced by G.
Protein change: p.Tyr138Cys; replaces tyrosine 138 with cysteine.
Molecular consequence: missense variant.
Genome position (GRCh38, 1-based): chr19:4,110,546, T>C on the plus strand (A>G on the coding strand, the complement: MAP2K2 is on the minus strand). VCF-style: chr19-4110546-T-C. GRCh37 (hg19) VCF-style: chr19-4110544-T-C.
Other names: short protein forms Y138C.
Identifiers: ClinVar variation 3623293 (VCV003623293.2).

ClinVar aggregate classification (germline): Uncertain significance (1 of 4 stars; one submission).

Conditions:
RASopathy. Also called: rasopathies; Noonan spectrum disorder. Identifiers: Orphanet 536391, MedGen C5555857, MONDO:0021060.

gnomAD v4.1: 1 of 1,613,942 alleles (0.000062%); highest among the groups gnomAD compares: South Asian, 0.0011%; no homozygotes.

Submission:

Labcorp Genetics (formerly Invitae), Labcorp
Classification: Uncertain significance for RASopathy. Last evaluated: 2024-10-07. Review status: criteria provided, single submitter. Criteria: Invitae Variant Classification Sherloc (09022015). Collection method: clinical testing. Allele origin: germline.
Comment: This sequence change replaces tyrosine, which is neutral and polar, with cysteine, which is neutral and slightly polar, at codon 138 of the MAP2K2 protein (p.Tyr138Cys). This variant is present in population databases (rs775213593, gnomAD 0.003%). This variant has not been reported in the literature in individuals affected with MAP2K2-related conditions. Invitae Evidence Modeling of protein sequence and biophysical properties (such as structural, functional, and spatial information, amino acid conservation, physicochemical variation, residue mobility, and thermodynamic stability) has been performed for this missense variant. However, the output from this modeling did not meet the statistical confidence thresholds required to predict the impact of this variant on MAP2K2 protein function. In summary, the available evidence is currently insufficient to determine the role of this variant in disease. Therefore, it has been classified as a Variant of Uncertain Significance.